The following is an entry in ClinVar:

NM_001611.5(ACP5):c.410A>G (p.Tyr137Cys)

Gene: ACP5 (acid phosphatase 5, tartrate resistant; minus strand). Cytogenetic location: 19p13.2.
Variant type: single nucleotide variant.
Coding change: c.410A>G on transcript NM_001611.5 (MANE Select); coding-DNA position 410, A replaced by G.
Protein change: p.Tyr137Cys; replaces tyrosine 137 with cysteine.
Molecular consequence: missense variant.
Genome position (GRCh38, 1-based): chr19:11,576,568, T>C on the plus strand (A>G on the coding strand, the complement: ACP5 is on the minus strand). VCF-style: chr19-11576568-T-C. GRCh37 (hg19) VCF-style: chr19-11687383-T-C.
Other names: c.410A>G, p.Tyr137Cys (NM_001111034.3, NM_001111035.3, NM_001111036.3 and 1 more transcripts); short protein forms Y137C.
Identifiers: ClinVar variation 966970 (VCV000966970.10), dbSNP rs760044774, ClinGen allele CA9215414.
Genomic context (GRCh38, chr19:11,576,568, plus strand): 5'-GTGTCCAGCATAAAAATGGCCACAGACACATTGGTCTGTGGGATCTTGAAGTGCAGGCGG[T>C]AGAAAGGGCTGGGGAAGTTCCTGTGGAGGGGATAGAGGTCGTGGGTGCACATCTTGGGCG-3'
Protein context (NP_001602.1, residues 127-147): SKRWNFPSPF[Tyr137Cys]RLHFKIPQTN

ClinVar aggregate classification (germline): Uncertain significance. Review status: criteria provided, multiple submitters, no conflicts (2 of 4 stars). 2 submissions from 2 submitters: Uncertain significance (2). Last evaluated 2022-10-17.

Conditions:
Spondyloenchondrodysplasia with immune dysregulation (SPENCDI). Also called: COMBINED IMMUNODEFICIENCY WITH AUTOIMMUNITY AND SPONDYLOMETAPHYSEAL DYSPLASIA; ROIFMAN IMMUNOSKELETAL SYNDROME; SPONDYLOENCHONDRODYSPLASIA WITH OR WITHOUT IMMUNE DYSREGULATION. Identifiers: Orphanet 1855, MedGen C1842763, MONDO:0011939, OMIM 607944.

Allele frequency attached by ClinVar (database versions not stated): gnomAD 0.00001; TOPMed 0.00001; gnomAD exomes 0.00002 and 0.00003; ExAC 0.00003.
gnomAD v4.1: 11 of 1,613,396 alleles (0.00068%); highest among the groups gnomAD compares: Admixed American, 0.018%; no homozygotes.

Submissions (2):

Labcorp Genetics (formerly Invitae), Labcorp
Classification: Uncertain significance for Spondyloenchondrodysplasia with immune dysregulation. Last evaluated: 2022-10-17. Review status: criteria provided, single submitter. Criteria: Invitae Variant Classification Sherloc (09022015). Collection method: clinical testing. Allele origin: germline.
Comment: This sequence change replaces tyrosine, which is neutral and polar, with cysteine, which is neutral and slightly polar, at codon 137 of the ACP5 protein (p.Tyr137Cys). This variant is present in population databases (rs760044774, gnomAD 0.02%). This variant has not been reported in the literature in individuals affected with ACP5-related conditions. ClinVar contains an entry for this variant (Variation ID: 966970). Advanced modeling of protein sequence and biophysical properties (such as structural, functional, and spatial information, amino acid conservation, physicochemical variation, residue mobility, and thermodynamic stability) performed at Invitae indicates that this missense variant is expected to disrupt ACP5 protein function. In summary, the available evidence is currently insufficient to determine the role of this variant in disease. Therefore, it has been classified as a Variant of Uncertain Significance.

GeneDx
Classification: Uncertain significance. Last evaluated: 2020-01-02. Review status: criteria provided, single submitter. Criteria: GeneDx Variant Classification Process June 2021. Collection method: clinical testing. Allele origin: germline. Affected: yes.
Comment: In silico analysis, which includes protein predictors and evolutionary conservation, supports a deleterious effect; Has not been previously published as pathogenic or benign to our knowledge